The following is an entry in ClinVar:

NM_000093.5(COL5A1):c.5447T>C (p.Met1816Thr)

Genes: COL5A1 (collagen type V alpha 1 chain; plus strand), LOC101448202 (uncharacterized LOC101448202; minus strand). Cytogenetic location: 9q34.3.
Variant type: single nucleotide variant.
Coding change: c.5447T>C on transcript NM_000093.5 (MANE Select); coding-DNA position 5447, T replaced by C.
Protein change: p.Met1816Thr; replaces methionine 1816 with threonine.
Molecular consequence: missense variant.
Genome position (GRCh38, 1-based): chr9:134,842,233, T>C. VCF-style: chr9-134842233-T-C. GRCh37 (hg19) VCF-style: chr9-137734079-T-C.
Other names: c.5447T>C, p.Met1816Thr (NM_001278074.1); short protein forms M1816T.
Identifiers: ClinVar variation 420597 (VCV000420597.3), dbSNP rs780047867, ClinGen allele CA5320750.

ClinVar aggregate classification (germline): Conflicting classifications of pathogenicity. Review status: criteria provided, conflicting classifications (1 of 4 stars). 2 submissions from 2 submitters: Uncertain significance (1); Likely benign (1). Last evaluated 2025-09-16.

Conditions:
Ehlers-Danlos syndrome, classic type, 1 (EDSCL1). Also called: EHLERS-DANLOS SYNDROME, GRAVIS TYPE; EHLERS-DANLOS SYNDROME, SEVERE CLASSIC TYPE; Ehlers-Danlos Syndrome, Classic Type, COL5A1-Related; EDS I; Ehlers-Danlos syndrome, type 1. Identifiers: MedGen C0268335, MONDO:0019567, OMIM 130000.

Allele frequency attached by ClinVar (database versions not stated): gnomAD exomes below 0.00001; gnomAD 0.00001; ExAC 0.00001.

Submissions (2):

Labcorp Genetics (formerly Invitae), Labcorp
Classification: Likely benign for Ehlers-Danlos syndrome, classic type, 1. Last evaluated: 2025-09-16. Review status: criteria provided, single submitter. Criteria: Invitae Variant Classification Sherloc (09022015). Collection method: clinical testing. Allele origin: germline.

GeneDx
Classification: Uncertain significance. Last evaluated: 2016-02-25. Review status: criteria provided, single submitter. Criteria: GeneDx Variant Classification (06012015). Collection method: clinical testing. Allele origin: germline. Affected: yes.
Comment: The M1816T variant in the COL5A1 gene has not been reported previously as a pathogenic variant, nor as a benign variant, to our knowledge. The M1816T variant was not observed in approximately 6,500 individuals of European and African American ancestry in the NHLBI Exome Sequencing Project, indicating it is not a common benign variant in these populations. The M1816T variant is a non-conservative amino acid substitution, which is likely to impact secondary protein structure as these residues differ in polarity, charge, size and/or other properties. This substitution occurs at a position that is conserved in mammals. In silico analysis is inconsistent in its predictions as to whether or not the variant is damaging to the protein structure/function. We interpret M1816T as a variant of uncertain significance.